The following is an entry in ClinVar:

NM_006939.4(SOS2):c.2385-3T>C

Gene: SOS2 (SOS Ras/Rho guanine nucleotide exchange factor 2; minus strand). Cytogenetic location: 14q21.3.
Variant type: single nucleotide variant.
Coding change: c.2385-3T>C on transcript NM_006939.4 (MANE Select); 3 bases into the intron before coding-DNA position 2385, T replaced by C.
Molecular consequence: intron variant.
Genome position (GRCh38, 1-based): chr14:50,145,599, A>G on the plus strand (T>C on the coding strand, the complement: SOS2 is on the minus strand). VCF-style: chr14-50145599-A-G. GRCh37 (hg19) VCF-style: chr14-50612317-A-G.
Identifiers: ClinVar variation 949288 (VCV000949288.8), dbSNP rs374402293, ClinGen allele CA7177036.
Genomic context (GRCh38, chr14:50,145,599, plus strand): 5'-TATTTCTTTATCTTCTTTGGTCCACACACTCCCTACAAGTTCAGACGGTTGAACTTTCCT[A>G]TGGAATTGAAAATCAGTGCAACTTAACCTATAAAGGATTTGTATTACTTAAAGATCTTCT-3'

ClinVar aggregate classification (germline): Uncertain significance (1 of 4 stars; one submission).

Conditions:
Noonan syndrome 9 (NS9). Identifiers: Orphanet 648, MedGen C4225282, MONDO:0014691, OMIM 616559.

Allele frequency attached by ClinVar (database versions not stated): gnomAD exomes 0.00001 and 0.00005; ExAC 0.00005; gnomAD 0.00015 and 0.00016; 1000 Genomes Project 30x 0.00016; TOPMed 0.00019; 1000 Genomes Project 0.00020; ESP Exome Variant Server 0.00046.
gnomAD v4.1: 44 of 1,574,710 alleles (0.0028%); highest among the groups gnomAD compares: African/African-American, 0.055%; no homozygotes.

Submission:

Labcorp Genetics (formerly Invitae), Labcorp
Classification: Uncertain significance for Noonan syndrome 9. Last evaluated: 2026-01-27. Review status: criteria provided, single submitter. Criteria: Invitae Variant Classification Sherloc (09022015). Collection method: clinical testing. Allele origin: germline.
Comment: This sequence change falls in intron 14 of the SOS2 gene. It does not directly change the encoded amino acid sequence of the SOS2 protein. It affects a nucleotide within the consensus splice site. This variant is present in population databases (rs374402293, gnomAD 0.05%). This variant has not been reported in the literature in individuals affected with SOS2-related conditions. ClinVar contains an entry for this variant (Variation ID: 949288). Variants that disrupt the consensus splice site are a relatively common cause of aberrant splicing (PMID: 17576681, 9536098). Algorithms developed to predict the effect of sequence changes on RNA splicing suggest that this variant is not likely to affect RNA splicing. In summary, the available evidence is currently insufficient to determine the role of this variant in disease. Therefore, it has been classified as a Variant of Uncertain Significance.

Literature cited by the submitters: PubMed 17576681; PubMed 9536098.